The following is an entry in ClinVar:

ClinVar aggregate classification (germline): Uncertain significance (1 of 4 stars; one submission).

Allele frequency attached by ClinVar (database versions not stated): ExAC 0.00001; gnomAD 0.00001; TOPMed 0.00005.

Submission:

Labcorp Genetics (formerly Invitae), Labcorp
Classification: Uncertain significance. Last evaluated: 2023-07-25. Review status: criteria provided, single submitter. Criteria: Invitae Variant Classification Sherloc (09022015). Collection method: clinical testing. Allele origin: germline.
Comment: An algorithm developed to predict the effect of missense changes on protein structure and function (PolyPhen-2) suggests that this variant is likely to be tolerated. In summary, the available evidence is currently insufficient to determine the role of this variant in disease. Therefore, it has been classified as a Variant of Uncertain Significance. This variant has not been reported in the literature in individuals affected with OR2W3-related conditions. This variant is present in population databases (rs775020330, gnomAD 0.003%). This sequence change replaces leucine, which is neutral and non-polar, with phenylalanine, which is neutral and non-polar, at codon 216 of the OR2W3 protein (p.Leu216Phe).

NM_001001957.2(OR2W3):c.646C>T (p.Leu216Phe)

Gene: OR2W3 (olfactory receptor family 2 subfamily W member 3; plus strand). Cytogenetic location: 1q44.
Variant type: single nucleotide variant.
Coding change: c.646C>T on transcript NM_001001957.2 (MANE Select); coding-DNA position 646, C replaced by T.
Protein change: p.Leu216Phe; replaces leucine 216 with phenylalanine.
Molecular consequence: missense variant.
Genome position (GRCh38, 1-based): chr1:247,896,232, C>T. VCF-style: chr1-247896232-C-T. GRCh37 (hg19) VCF-style: chr1-248059534-C-T.
Other names: short protein forms L216F.
Identifiers: ClinVar variation 2806362 (VCV002806362.3), dbSNP rs775020330, ClinGen allele CA1498658.